The following is an entry in ClinVar:

ClinVar aggregate classification (germline): Uncertain significance (1 of 4 stars; one submission).

Conditions:
Inborn genetic diseases. Identifiers: MedGen C0950123, MeSH D030342.

Submission:

Ambry Genetics
Classification: Uncertain significance for Inborn genetic diseases. Last evaluated: 2024-04-19. Review status: criteria provided, single submitter. Criteria: Ambry Variant Classification Scheme 2023. Collection method: clinical testing. Allele origin: germline.
Comment: The p.E601G variant (also known as c.1802A>G) is located in coding exon 16 of the LRRK2 gene. The glutamic acid at codon 601 is replaced by glycine, an amino acid with similar properties. This change occurs in the first base pair of coding exon 16. This amino acid position is conserved. In addition, this alteration is predicted to be tolerated by in silico analysis. Based on the available evidence, the clinical significance of this variant remains unclear.

NM_198578.4(LRRK2):c.1802A>G (p.Glu601Gly)

Gene: LRRK2 (leucine rich repeat kinase 2; plus strand). Cytogenetic location: 12q12.
Variant type: single nucleotide variant.
Coding change: c.1802A>G on transcript NM_198578.4 (MANE Select); coding-DNA position 1802, A replaced by G.
Protein change: p.Glu601Gly; replaces glutamic acid 601 with glycine.
Molecular consequence: missense variant.
Genome position (GRCh38, 1-based): chr12:40,274,854, A>G. VCF-style: chr12-40274854-A-G. GRCh37 (hg19) VCF-style: chr12-40668656-A-G.
Other names: short protein forms E601G.
Identifiers: ClinVar variation 3291903 (VCV003291903.1).